The following is an entry in ClinVar:

ClinVar aggregate classification (germline): Likely benign. Review status: criteria provided, multiple submitters, no conflicts (2 of 4 stars). 6 submissions from 6 submitters: Likely benign (5). 1 of the submissions does not count toward it. Last evaluated 2025-07-25.

Conditions:
MYCN-related disorder. Also called: MYCN-related condition.
Feingold syndrome type 1 (FGLDS1). Also called: OCULODIGITOESOPHAGODUODENAL SYNDROME; ODED SYNDROME; MICROCEPHALY AND DIGITAL ABNORMALITIES WITH NORMAL INTELLIGENCE; MICROCEPHALY, MENTAL RETARDATION, AND TRACHEOESOPHAGEAL FISTULA SYNDROME; MICROCEPHALY-OCULO-DIGITO-ESOPHAGEAL-DUODENAL SYNDROME. Identifiers: Orphanet 1305, Orphanet 391641, MedGen C4551774, MONDO:0008115, OMIM 164280.

Allele frequency attached by ClinVar (database versions not stated): ExAC 0.00025; 1000 Genomes Project 30x 0.00031; 1000 Genomes Project 0.00040; gnomAD 0.00063 and 0.00069; TOPMed 0.00077.

Submissions (6):

Labcorp Genetics (formerly Invitae), Labcorp
Classification: Likely benign. Last evaluated: 2025-07-25. Review status: criteria provided, single submitter. Criteria: Invitae Variant Classification Sherloc (09022015). Collection method: clinical testing. Allele origin: germline.

Blueprint Genetics
Classification: Likely benign. Last evaluated: 2024-05-27. Review status: criteria provided, single submitter. Criteria: ACMG Guidelines, 2015. Collection method: clinical testing. Allele origin: germline.

Fulgent Genetics
Classification: Likely benign for Feingold syndrome type 1. Last evaluated: 2021-10-18. Review status: criteria provided, single submitter. Criteria: ACMG Guidelines, 2015. Collection method: clinical testing. Allele origin: unknown.

GeneDx
Classification: Likely benign. Last evaluated: 2017-02-07. Review status: criteria provided, single submitter. Criteria: GeneDx Variant Classification (06012015). Collection method: clinical testing. Allele origin: germline. Affected: yes.
Comment: This variant is considered likely benign or benign based on one or more of the following criteria: it is a conservative change, it occurs at a poorly conserved position in the protein, it is predicted to be benign by multiple in silico algorithms, and/or has population frequency not consistent with disease.

Breakthrough Genomics
Classification: Likely benign. Review status: criteria provided, single submitter. Criteria: ACMG Guidelines, 2015. Collection method: not provided. Allele origin: germline. Inheritance: Autosomal dominant inheritance. Affected: yes.

PreventionGenetics, part of Exact Sciences
Classification: Likely benign for MYCN-related condition. Last evaluated: 2023-08-14. Review status: no assertion criteria provided. Collection method: clinical testing. Allele origin: germline. Not counted in ClinVar's aggregate classification.
Comment: This variant is classified as likely benign based on ACMG/AMP sequence variant interpretation guidelines (Richards et al. 2015 PMID: 25741868, with internal and published modifications).

NM_005378.6(MYCN):c.429C>T (p.Ala143=)

Gene: MYCN (MYCN proto-oncogene, bHLH transcription factor; plus strand). Cytogenetic location: 2p24.3.
Variant type: single nucleotide variant.
Coding change: c.429C>T on transcript NM_005378.6 (MANE Select); coding-DNA position 429, C replaced by T.
Protein change: p.Ala143=; no amino-acid change (alanine 143 retained).
Molecular consequence: synonymous variant. On other transcripts: 3 prime UTR variant (1), intron variant (1).
Genome position (GRCh38, 1-based): chr2:15,942,493, C>T. VCF-style: chr2-15942493-C-T. GRCh37 (hg19) VCF-style: chr2-16082615-C-T.
Other names: c.429C>T, p.Ala143= (NM_001293228.2); c.*364C>T (NM_001293233.2); c.157+1750C>T (NM_001293231.2).
Identifiers: ClinVar variation 517711 (VCV000517711.12), dbSNP rs532543210, ClinGen allele CA1538179.